The following is an entry in ClinVar:

NM_020461.4(TUBGCP6):c.3286G>C (p.Asp1096His)

Gene: TUBGCP6 (tubulin gamma complex component 6; minus strand). Cytogenetic location: 22q13.33.
Variant type: single nucleotide variant.
Coding change: c.3286G>C on transcript NM_020461.4 (MANE Select); coding-DNA position 3286, G replaced by C.
Protein change: p.Asp1096His; replaces aspartic acid 1096 with histidine.
Molecular consequence: missense variant.
Genome position (GRCh38, 1-based): chr22:50,221,073, C>G on the plus strand (G>C on the coding strand, the complement: TUBGCP6 is on the minus strand). VCF-style: chr22-50221073-C-G. GRCh37 (hg19) VCF-style: chr22-50659502-C-G.
Other names: c.3286G>C (NM_020461.3); short protein forms D1096H.
Identifiers: ClinVar variation 1396932 (VCV001396932.4), dbSNP rs145033260, ClinGen allele CA10307999.
Genomic context (GRCh38, chr22:50,221,073, plus strand): 5'-TGATGCTGGCGTTGGACACATGTCCATGGATGTTCCACCGTGGCCGAGTGGGAGCCACAT[C>G]TGACACAGACTCCCCTAAGCTGATGCTGGCATTGGATACGTGTCCGTGGGTGTTCCACCG-3'
Protein context (NP_065194.3, residues 1086-1106): ASISLGESVS[Asp1096His]VAPTRPRWNI

ClinVar aggregate classification (germline): Uncertain significance. Review status: criteria provided, multiple submitters, no conflicts (2 of 4 stars). 2 submissions from 2 submitters: Uncertain significance (2). Last evaluated 2023-11-27.

Conditions:
Inborn genetic diseases. Identifiers: MedGen C0950123, MeSH D030342.

Allele frequency attached by ClinVar (database versions not stated): gnomAD 0.00001; ESP Exome Variant Server 0.00008; 1000 Genomes Project 0.00020; 1000 Genomes Project 30x 0.00031.
gnomAD v4.1: 68 of 1,613,160 alleles (0.0042%); highest among the groups gnomAD compares: South Asian, 0.035%; 1 homozygote.

Submissions (2):

Ambry Genetics
Classification: Uncertain significance for Inborn genetic diseases. Last evaluated: 2023-11-27. Review status: criteria provided, single submitter. Criteria: Ambry Variant Classification Scheme 2023. Collection method: clinical testing. Allele origin: germline.

Labcorp Genetics (formerly Invitae), Labcorp
Classification: Uncertain significance. Last evaluated: 2022-06-27. Review status: criteria provided, single submitter. Criteria: Invitae Variant Classification Sherloc (09022015). Collection method: clinical testing. Allele origin: germline.
Comment: This sequence change replaces aspartic acid, which is acidic and polar, with histidine, which is basic and polar, at codon 1096 of the TUBGCP6 protein (p.Asp1096His). This variant is present in population databases (rs145033260, gnomAD 0.04%), including at least one homozygous and/or hemizygous individual. This variant has not been reported in the literature in individuals affected with TUBGCP6-related conditions. Algorithms developed to predict the effect of missense changes on protein structure and function are either unavailable or do not agree on the potential impact of this missense change (SIFT: "Deleterious"; PolyPhen-2: "Probably Damaging"; Align-GVGD: "Class C0"). In summary, the available evidence is currently insufficient to determine the role of this variant in disease. Therefore, it has been classified as a Variant of Uncertain Significance.